The following is an entry in ClinVar:

NM_002485.5(NBN):c.1425G>A (p.Met475Ile)

Gene: NBN (nibrin; minus strand). Cytogenetic location: 8q21.3.
Variant type: single nucleotide variant.
Coding change: c.1425G>A on transcript NM_002485.5 (MANE Select); coding-DNA position 1425, G replaced by A.
Protein change: p.Met475Ile; replaces methionine 475 with isoleucine.
Molecular consequence: missense variant.
Genome position (GRCh38, 1-based): chr8:89,953,664, C>T on the plus strand (G>A on the coding strand, the complement: NBN is on the minus strand). VCF-style: chr8-89953664-C-T. GRCh37 (hg19) VCF-style: chr8-90965892-C-T.
Other names: c.1179G>A, p.Met393Ile (NM_001024688.3); short protein forms M475I, M393I.
Identifiers: ClinVar variation 530752 (VCV000530752.12), dbSNP rs1180796619, ClinGen allele CA371655877.
Genomic context (GRCh38, chr8:89,953,664, plus strand): 5'-AGGTTGTGTTTGTTCTAAAAGAGAACAAGACGTTTCTATTCTTGCTGATTTGCATGAAGA[C>T]ATTTCTTGATTTTCTTCATCCCTTTCCCTTAGATTTAAAAAAAAAGAAGAAAACAAAACA-3'
Protein context (NP_002476.2, residues 465-485): KRERDEENQE[Met475Ile]SSCKSARIET

ClinVar aggregate classification (germline): Uncertain significance. Review status: criteria provided, multiple submitters, no conflicts (2 of 4 stars). 2 submissions from 2 submitters: Uncertain significance (2). Last evaluated 2025-01-10.

Conditions:
Microcephaly, normal intelligence and immunodeficiency (NBS). Also called: Immunodeficiency, microcephaly with normal intelligence; Ataxia telangiectasia variant V1; IMMUNODEFICIENCY, MICROCEPHALY, AND CHROMOSOMAL INSTABILITY; BERLIN BREAKAGE SYNDROME; SEEMANOVA SYNDROME II; Nijmegen breakage syndrome. Identifiers: Orphanet 647, MedGen C0398791, MONDO:0009623, OMIM 251260.
Hereditary cancer-predisposing syndrome. Also called: Neoplastic Syndromes, Hereditary; Hereditary neoplastic syndrome; Tumor predisposition; Hereditary Cancer Syndrome. Identifiers: Orphanet 140162, MedGen C0027672, MeSH D009386, MONDO:0015356.

Allele frequency attached by ClinVar (database versions not stated): gnomAD exomes below 0.00001.
gnomAD v4.1: 2 of 1,611,514 alleles (0.00012%); highest among the groups gnomAD compares: South Asian, 0.0011%; no homozygotes.

Submissions (2):

Ambry Genetics
Classification: Uncertain significance for Hereditary cancer-predisposing syndrome. Last evaluated: 2025-01-10. Review status: criteria provided, single submitter. Criteria: Ambry Variant Classification Scheme 2023. Collection method: clinical testing. Allele origin: germline.
Comment: The p.M475I variant (also known as c.1425G>A), located in coding exon 11 of the NBN gene, results from a G to A substitution at nucleotide position 1425. The methionine at codon 475 is replaced by isoleucine, an amino acid with highly similar properties. This amino acid position is conserved. In addition, this alteration is predicted to be tolerated by in silico analysis. Since supporting evidence is limited at this time, the clinical significance of this alteration remains unclear.

Labcorp Genetics (formerly Invitae), Labcorp
Classification: Uncertain significance for Microcephaly, normal intelligence and immunodeficiency. Last evaluated: 2023-02-14. Review status: criteria provided, single submitter. Criteria: Invitae Variant Classification Sherloc (09022015). Collection method: clinical testing. Allele origin: germline.
Comment: Algorithms developed to predict the effect of missense changes on protein structure and function output the following: SIFT: "Tolerated"; PolyPhen-2: "Benign"; Align-GVGD: "Class C0". The isoleucine amino acid residue is found in multiple mammalian species, which suggests that this missense change does not adversely affect protein function. In summary, the available evidence is currently insufficient to determine the role of this variant in disease. Therefore, it has been classified as a Variant of Uncertain Significance. ClinVar contains an entry for this variant (Variation ID: 530752). This variant has not been reported in the literature in individuals affected with NBN-related conditions. This variant is present in population databases (no rsID available, gnomAD 0.003%). This sequence change replaces methionine, which is neutral and non-polar, with isoleucine, which is neutral and non-polar, at codon 475 of the NBN protein (p.Met475Ile).